The following is an entry in ClinVar:

ClinVar aggregate classification (germline): Uncertain significance (1 of 4 stars; one submission).

Allele frequency attached by ClinVar (database versions not stated): gnomAD exomes below 0.00001; ExAC 0.00001.
gnomAD v4.1: 3 of 1,614,058 alleles (0.00019%); highest among the groups gnomAD compares: East Asian, 0.0045%; no homozygotes.

Submission:

Labcorp Genetics (formerly Invitae), Labcorp
Classification: Uncertain significance. Last evaluated: 2021-10-26. Review status: criteria provided, single submitter. Criteria: Invitae Variant Classification Sherloc (09022015). Collection method: clinical testing. Allele origin: germline.
Comment: In summary, the available evidence is currently insufficient to determine the role of this variant in disease. Therefore, it has been classified as a Variant of Uncertain Significance. Algorithms developed to predict the effect of missense changes on protein structure and function are either unavailable or do not agree on the potential impact of this missense change (SIFT: "Deleterious"; PolyPhen-2: "Benign"; Align-GVGD: "Class C0"). This variant has not been reported in the literature in individuals affected with VCAN-related conditions. This variant is present in population databases (rs747879341, ExAC 0.01%). This sequence change replaces valine with alanine at codon 175 of the VCAN protein (p.Val175Ala). The valine residue is weakly conserved and there is a small physicochemical difference between valine and alanine.

NM_004385.5(VCAN):c.524T>C (p.Val175Ala)

Gene: VCAN (versican; plus strand). Cytogenetic location: 5q14.2.
Variant type: single nucleotide variant.
Coding change: c.524T>C on transcript NM_004385.5 (MANE Select); coding-DNA position 524, T replaced by C.
Protein change: p.Val175Ala; replaces valine 175 with alanine.
Molecular consequence: missense variant.
Genome position (GRCh38, 1-based): chr5:83,493,624, T>C. VCF-style: chr5-83493624-T-C. GRCh37 (hg19) VCF-style: chr5-82789443-T-C.
Other names: c.524T>C, p.Val175Ala (NM_001126336.3, NM_001164097.2, NM_001164098.2); short protein forms V175A.
Identifiers: ClinVar variation 1369438 (VCV001369438.6), dbSNP rs747879341, ClinGen allele CA3332473.